The following is an entry in ClinVar:

ClinVar aggregate classification (germline): Uncertain significance (1 of 4 stars; one submission).

Submission:

Labcorp Genetics (formerly Invitae), Labcorp
Classification: Uncertain significance. Last evaluated: 2022-08-24. Review status: criteria provided, single submitter. Criteria: Invitae Variant Classification Sherloc (09022015). Collection method: clinical testing. Allele origin: germline.
Comment: This sequence change replaces phenylalanine, which is neutral and non-polar, with valine, which is neutral and non-polar, at codon 365 of the TOP1MT protein (p.Phe365Val). This variant is not present in population databases (gnomAD no frequency). This variant has not been reported in the literature in individuals affected with TOP1MT-related conditions. Algorithms developed to predict the effect of missense changes on protein structure and function are either unavailable or do not agree on the potential impact of this missense change (SIFT: "Deleterious"; PolyPhen-2: "Probably Damaging"; Align-GVGD: "Class C0"). In summary, the available evidence is currently insufficient to determine the role of this variant in disease. Therefore, it has been classified as a Variant of Uncertain Significance.

NM_052963.3(TOP1MT):c.1093T>G (p.Phe365Val)

Gene: TOP1MT (DNA topoisomerase I mitochondrial; minus strand). Cytogenetic location: 8q24.3.
Variant type: single nucleotide variant.
Coding change: c.1093T>G on transcript NM_052963.3 (MANE Select); coding-DNA position 1093, T replaced by G.
Protein change: p.Phe365Val; replaces phenylalanine 365 with valine.
Molecular consequence: missense variant.
Genome position (GRCh38, 1-based): chr8:143,321,254, A>C on the plus strand (T>G on the coding strand, the complement: TOP1MT is on the minus strand). VCF-style: chr8-143321254-A-C. GRCh37 (hg19) VCF-style: chr8-144403424-A-C.
Other names: c.799T>G, p.Phe267Val (NM_001258446.1, NM_001258447.1); short protein forms F365V, F267V.
Identifiers: ClinVar variation 2026816 (VCV002026816.4), dbSNP rs146709361, ClinGen allele CA372412659.